The following is an entry in ClinVar:

ClinVar aggregate classification (germline): Likely benign (1 of 4 stars; one submission).

Conditions:
SERPING1-related disorder. Also called: SERPING1-related condition.

gnomAD v4.1: 17 of 594,166 alleles (0.0029%); highest among the groups gnomAD compares: Non-Finnish European, 0.0045%; no homozygotes.

Submission:

PreventionGenetics, part of Exact Sciences
Classification: Likely benign for SERPING1-related condition. Last evaluated: 2025-04-28. Review status: criteria provided, single submitter. Criteria: ACMG Guidelines, 2015. Collection method: clinical testing. Allele origin: germline.
Comment: This variant is classified as likely benign based on ACMG/AMP sequence variant interpretation guidelines (Richards et al. 2015 PMID: 25741868, with internal and published modifications).

NM_000062.3(SERPING1):c.-22-153G>A

Gene: SERPING1 (serpin family G member 1; plus strand). Cytogenetic location: 11q12.1.
Variant type: single nucleotide variant.
Coding change: c.-22-153G>A on transcript NM_000062.3 (MANE Select); 153 bases into the intron before 22 bases upstream of the start codon, G replaced by A.
Molecular consequence: intron variant.
Genome position (GRCh38, 1-based): chr11:57,598,096, G>A. VCF-style: chr11-57598096-G-A. GRCh37 (hg19) VCF-style: chr11-57365569-G-A.
Identifiers: ClinVar variation 4999532 (VCV004999532.1).
Genomic context (GRCh38, chr11:57,598,096, plus strand): 5'-GAGGAAGGGCCAGCCGGTGCCGGGAAAGGGAAGCGGTTTGGGGAAAACAAAACAGAGGGA[G>A]GAGCCAGGGAGAAGGTGGCCCCAGGAGGGAGGAGGAGGGAATTCGCTAAGAGGGACTGGG-3'